The following is an entry in ClinVar:

NM_016284.5(CNOT1):c.287A>G (p.Asp96Gly)

Gene: CNOT1 (CCR4-NOT transcription complex subunit 1; minus strand). Cytogenetic location: 16q21.
Variant type: single nucleotide variant.
Coding change: c.287A>G on transcript NM_016284.5 (MANE Select); coding-DNA position 287, A replaced by G.
Protein change: p.Asp96Gly; replaces aspartic acid 96 with glycine.
Molecular consequence: missense variant. On other transcripts: non-coding transcript variant (1).
Genome position (GRCh38, 1-based): chr16:58,587,802, T>C on the plus strand (A>G on the coding strand, the complement: CNOT1 is on the minus strand). VCF-style: chr16-58587802-T-C. GRCh37 (hg19) VCF-style: chr16-58621706-T-C.
Other names: c.287A>G (NM_016284.3); c.287A>G, p.Asp96Gly (NM_001265612.2, NM_206999.3); short protein forms D96G.
Identifiers: ClinVar variation 2688799 (VCV002688799.6), dbSNP rs751892212, ClinGen allele CA8090241.

ClinVar aggregate classification (germline): Uncertain significance. Review status: criteria provided, multiple submitters, no conflicts (2 of 4 stars). 3 submissions from 3 submitters: Uncertain significance (3). Last evaluated 2025-06-07.

Conditions:
Inborn genetic diseases. Identifiers: MedGen C0950123, MeSH D030342.

Allele frequency attached by ClinVar (database versions not stated): ExAC 0.00001.
gnomAD v4.1: 6 of 1,613,942 alleles (0.00037%); highest among the groups gnomAD compares: Non-Finnish European, 0.00051%; no homozygotes.

Submissions (3):

Ambry Genetics
Classification: Uncertain significance for Inborn genetic diseases. Last evaluated: 2025-06-07. Review status: criteria provided, single submitter. Criteria: Ambry Variant Classification Scheme 2023. Collection method: clinical testing. Allele origin: germline.

Labcorp Genetics (formerly Invitae), Labcorp
Classification: Uncertain significance. Last evaluated: 2024-01-05. Review status: criteria provided, single submitter. Criteria: Invitae Variant Classification Sherloc (09022015). Collection method: clinical testing. Allele origin: germline.
Comment: This sequence change replaces aspartic acid, which is acidic and polar, with glycine, which is neutral and non-polar, at codon 96 of the CNOT1 protein (p.Asp96Gly). This variant is present in population databases (rs751892212, gnomAD 0.0009%). This variant has not been reported in the literature in individuals affected with CNOT1-related conditions. An algorithm developed to predict the effect of missense changes on protein structure and function (PolyPhen-2) suggests that this variant is likely to be disruptive. In summary, the available evidence is currently insufficient to determine the role of this variant in disease. Therefore, it has been classified as a Variant of Uncertain Significance.

Revvity Omics, Revvity
Classification: Uncertain significance. Last evaluated: 2023-04-19. Review status: criteria provided, single submitter. Criteria: ACMG Guidelines, 2015. Collection method: clinical testing. Allele origin: germline.